The following is an entry in ClinVar:

ClinVar aggregate classification (germline): Pathogenic (1 of 4 stars; one submission).

Conditions:
Hereditary cancer-predisposing syndrome. Also called: Tumor predisposition; Hereditary neoplastic syndrome; Hereditary Cancer Syndrome; Neoplastic Syndromes, Hereditary. Identifiers: Orphanet 140162, MedGen C0027672, MeSH D009386, MONDO:0015356.

Submission:

Ambry Genetics
Classification: Pathogenic for Hereditary cancer-predisposing syndrome. Last evaluated: 2025-06-06. Review status: criteria provided, single submitter. Criteria: Ambry Variant Classification Scheme 2023. Collection method: clinical testing. Allele origin: germline.
Comment: The c.3342_3348delGCTTCAG pathogenic mutation, located in coding exon 22 of the ATM gene, results from a deletion of 7 nucleotides at nucleotide positions 3342 to 3348, causing a translational frameshift with a predicted alternate stop codon (p.K1114Nfs*10). This variant is considered to be rare based on population cohorts in the Genome Aggregation Database (gnomAD). This alteration is expected to result in loss of function by premature protein truncation or nonsense-mediated mRNA decay. As such, this alteration is interpreted as a disease-causing mutation.

NM_000051.4(ATM):c.3342_3348del (p.Lys1114fs)

Gene: ATM (ATM serine/threonine kinase; plus strand). Cytogenetic location: 11q22.3.
Variant type: Deletion.
Coding change: c.3342_3348del on transcript NM_000051.4 (MANE Select); coding-DNA positions 3342 to 3348, 7 bases deleted (GCTTCAG; older notation c.3342_3348delGCTTCAG).
Protein change: p.Lys1114fs; shifts the reading frame from lysine 1114.
Molecular consequence: frameshift variant.
Genome position (GRCh38, 1-based): chr11:108,279,548-108,279,554, GCTTCAG deleted. VCF-style (leftmost placement, unchanged base first): chr11-108279547-AGCTTCAG-A. GRCh37 (hg19) VCF-style: chr11-108150274-AGCTTCAG-A.
Other names: c.3342_3348del, p.Lys1114fs (NM_001351834.2); short protein forms K1114fs.
Identifiers: ClinVar variation 3967358 (VCV003967358.1).